The following is an entry in ClinVar:

ClinVar aggregate classification (germline): Uncertain significance. Review status: criteria provided, multiple submitters, no conflicts (2 of 4 stars). 4 submissions from 4 submitters: Uncertain significance (4). Last evaluated 2025-12-02.

Conditions:
Cardiovascular phenotype. Identifiers: MedGen CN230736.
RASopathy. Also called: rasopathies; Noonan spectrum disorder. Identifiers: Orphanet 536391, MedGen C5555857, MONDO:0021060.

Allele frequency attached by ClinVar (database versions not stated): gnomAD exomes below 0.00001; TOPMed below 0.00001; gnomAD 0.00001; ExAC 0.00004.
gnomAD v4.1: 6 of 1,569,294 alleles (0.00038%); highest among the groups gnomAD compares: African/African-American, 0.0013%; no homozygotes.

Submissions (4):

Ambry Genetics
Classification: Uncertain significance for Cardiovascular phenotype. Last evaluated: 2025-12-02. Review status: criteria provided, single submitter. Criteria: Ambry Variant Classification Scheme 2023. Collection method: clinical testing. Allele origin: germline.
Comment: The p.A355V variant (also known as c.1064C>T), located in coding exon 10 of the MAP2K2 gene, results from a C to T substitution at nucleotide position 1064. The alanine at codon 355 is replaced by valine, an amino acid with similar properties. This amino acid position is conserved. In addition, this alteration is predicted to be tolerated by in silico analysis. Since supporting evidence is limited at this time, the clinical significance of this alteration remains unclear.

Labcorp Genetics (formerly Invitae), Labcorp
Classification: Uncertain significance for RASopathy. Last evaluated: 2024-07-30. Review status: criteria provided, single submitter. Criteria: Invitae Variant Classification Sherloc (09022015). Collection method: clinical testing. Allele origin: germline.
Comment: This sequence change replaces alanine, which is neutral and non-polar, with valine, which is neutral and non-polar, at codon 355 of the MAP2K2 protein (p.Ala355Val). The frequency data for this variant in the population databases is considered unreliable, as metrics indicate poor data quality at this position in the gnomAD database. This variant has not been reported in the literature in individuals affected with MAP2K2-related conditions. ClinVar contains an entry for this variant (Variation ID: 285437). Advanced modeling of protein sequence and biophysical properties (such as structural, functional, and spatial information, amino acid conservation, physicochemical variation, residue mobility, and thermodynamic stability) performed at Invitae indicates that this missense variant is not expected to disrupt MAP2K2 protein function with a negative predictive value of 95%. In summary, the available evidence is currently insufficient to determine the role of this variant in disease. Therefore, it has been classified as a Variant of Uncertain Significance.

Laboratory for Molecular Medicine, Mass General Brigham Personalized Medicine
Classification: Uncertain significance. Last evaluated: 2018-03-01. Review status: criteria provided, single submitter. Criteria: LMM Criteria. Collection method: clinical testing. Allele origin: germline.
Comment: Disclaimer: This variant has not undergone full assessment. The following are preliminary notes: GnomAd 19:4094479 G / A: European 2/72962; fairly well conserved; Not in Pubmed, Google search or HGMD; VUS by Emory in ClinVar; benign by polyphen

Eurofins Ntd Llc (ga)
Classification: Uncertain significance. Last evaluated: 2016-01-25. Review status: criteria provided, single submitter. Criteria: EGL Classification Definitions 2015. Collection method: clinical testing. Allele origin: germline. Observed: 1 variant allele, 1 heterozygote.

NM_030662.4(MAP2K2):c.1064C>T (p.Ala355Val)

Gene: MAP2K2 (mitogen-activated protein kinase kinase 2; minus strand). Cytogenetic location: 19p13.3.
Variant type: single nucleotide variant.
Coding change: c.1064C>T on transcript NM_030662.4 (MANE Select); coding-DNA position 1064, C replaced by T.
Protein change: p.Ala355Val; replaces alanine 355 with valine.
Molecular consequence: missense variant.
Genome position (GRCh38, 1-based): chr19:4,094,481, G>A on the plus strand (C>T on the coding strand, the complement: MAP2K2 is on the minus strand). VCF-style: chr19-4094481-G-A. GRCh37 (hg19) VCF-style: chr19-4094479-G-A.
Other names: short protein forms A355V.
Identifiers: ClinVar variation 285437 (VCV000285437.14), dbSNP rs768826287, ClinGen allele CA9090708.